The following is an entry in ClinVar:

NM_001378452.1(ITPR1):c.4106G>C (p.Arg1369Pro)

Gene: ITPR1 (inositol 1,4,5-trisphosphate receptor type 1; plus strand). Cytogenetic location: 3p26.1.
Variant type: single nucleotide variant.
Coding change: c.4106G>C on transcript NM_001378452.1 (MANE Select); coding-DNA position 4106, G replaced by C.
Protein change: p.Arg1369Pro; replaces arginine 1369 with proline.
Molecular consequence: missense variant.
Genome position (GRCh38, 1-based): chr3:4,693,566, G>C. VCF-style: chr3-4693566-G-C. GRCh37 (hg19) VCF-style: chr3-4735250-G-C.
Other names: c.4079G>C, p.Arg1360Pro (NM_001099952.4); c.4061G>C, p.Arg1354Pro (NM_001168272.2); c.4034G>C, p.Arg1345Pro (NM_002222.7); c.4034G>C (NM_002222.5); short protein forms R1354P, R1360P, R1369P, R1345P.
Identifiers: ClinVar variation 2796624 (VCV002796624.4), dbSNP rs1461379244, ClinGen allele CA351631542.
Genomic context (GRCh38, chr3:4,693,566, plus strand): 5'-AGGATGTCCTCGTGTTCTACAACGACAGAGCCTCTTTCCAGACTCTGATCCAGATGATGC[G>C]GTCAGAACGGGATCGGATGGATGAGAACAGCCCTCTCATGTACCACATCCACTTGGTCGA-3'
Protein context (NP_001365381.1, residues 1359-1379): ASFQTLIQMM[Arg1369Pro]SERDRMDENS

ClinVar aggregate classification (germline): Uncertain significance. Review status: criteria provided, multiple submitters, no conflicts (2 of 4 stars). 2 submissions from 2 submitters: Uncertain significance (2). Last evaluated 2023-06-18.

Allele frequency attached by ClinVar (database versions not stated): gnomAD 0.00001.
gnomAD v4.1: 3 of 1,613,858 alleles (0.00019%); highest among the groups gnomAD compares: Non-Finnish European, 0.00025%; no homozygotes.

Submissions (2):

Labcorp Genetics (formerly Invitae), Labcorp
Classification: Uncertain significance. Last evaluated: 2023-06-18. Review status: criteria provided, single submitter. Criteria: Invitae Variant Classification Sherloc (09022015). Collection method: clinical testing. Allele origin: germline.
Comment: In summary, the available evidence is currently insufficient to determine the role of this variant in disease. Therefore, it has been classified as a Variant of Uncertain Significance. Advanced modeling of protein sequence and biophysical properties (such as structural, functional, and spatial information, amino acid conservation, physicochemical variation, residue mobility, and thermodynamic stability) has been performed at Invitae for this missense variant, however the output from this modeling did not meet the statistical confidence thresholds required to predict the impact of this variant on ITPR1 protein function. This variant has not been reported in the literature in individuals affected with ITPR1-related conditions. This variant is present in population databases (no rsID available, gnomAD 0.002%). This sequence change replaces arginine, which is basic and polar, with proline, which is neutral and non-polar, at codon 1345 of the ITPR1 protein (p.Arg1345Pro).

GeneDx
Classification: Uncertain significance. Last evaluated: 2023-05-17. Review status: criteria provided, single submitter. Criteria: GeneDx Variant Classification Process June 2021. Collection method: clinical testing. Allele origin: germline. Affected: yes.
Comment: In silico analysis supports that this missense variant has a deleterious effect on protein structure/function; Has not been previously published as pathogenic or benign to our knowledge